The following is an entry in ClinVar:

NM_025099.6(CTC1):c.934C>T (p.Pro312Ser)

Gene: CTC1 (CST telomere replication complex component 1; minus strand). Cytogenetic location: 17p13.1.
Variant type: single nucleotide variant.
Coding change: c.934C>T on transcript NM_025099.6 (MANE Select); coding-DNA position 934, C replaced by T.
Protein change: p.Pro312Ser; replaces proline 312 with serine.
Molecular consequence: missense variant. On other transcripts: non-coding transcript variant (1).
Genome position (GRCh38, 1-based): chr17:8,236,201, G>A on the plus strand (C>T on the coding strand, the complement: CTC1 is on the minus strand). VCF-style: chr17-8236201-G-A. GRCh37 (hg19) VCF-style: chr17-8139519-G-A.
Other names: c.934C>T, p.Pro312Ser (NM_001411067.1); short protein forms P312S.
Identifiers: ClinVar variation 2067157 (VCV002067157.4), dbSNP rs1314341505, ClinGen allele CA397988483.

ClinVar aggregate classification (germline): Uncertain significance (1 of 4 stars; one submission).

Conditions:
Dyskeratosis congenita. Identifiers: Orphanet 1775, MedGen C0265965, MONDO:0015780.

Allele frequency attached by ClinVar (database versions not stated): gnomAD exomes below 0.00001.
gnomAD v4.1: 2 of 1,614,206 alleles (0.00012%); highest among the groups gnomAD compares: Non-Finnish European, 0.00017%; no homozygotes.

Submission:

Labcorp Genetics (formerly Invitae), Labcorp
Classification: Uncertain significance for Dyskeratosis congenita. Last evaluated: 2024-03-04. Review status: criteria provided, single submitter. Criteria: Invitae Variant Classification Sherloc (09022015). Collection method: clinical testing. Allele origin: germline.
Comment: This sequence change replaces proline, which is neutral and non-polar, with serine, which is neutral and polar, at codon 312 of the CTC1 protein (p.Pro312Ser). This variant is present in population databases (no rsID available, gnomAD 0.01%). This variant has not been reported in the literature in individuals affected with CTC1-related conditions. ClinVar contains an entry for this variant (Variation ID: 2067157). Advanced modeling of protein sequence and biophysical properties (such as structural, functional, and spatial information, amino acid conservation, physicochemical variation, residue mobility, and thermodynamic stability) has been performed at Invitae for this missense variant, however the output from this modeling did not meet the statistical confidence thresholds required to predict the impact of this variant on CTC1 protein function. In summary, the available evidence is currently insufficient to determine the role of this variant in disease. Therefore, it has been classified as a Variant of Uncertain Significance.